The following is an entry in ClinVar:

NM_152383.5(DIS3L2):c.406G>C (p.Ala136Pro)

Gene: DIS3L2 (DIS3 like 3'-5' exoribonuclease 2; plus strand). Cytogenetic location: 2q37.1.
Variant type: single nucleotide variant.
Coding change: c.406G>C on transcript NM_152383.5 (MANE Select); coding-DNA position 406, G replaced by C.
Protein change: p.Ala136Pro; replaces alanine 136 with proline.
Molecular consequence: missense variant. On other transcripts: non-coding transcript variant (2).
Genome position (GRCh38, 1-based): chr2:232,087,526, G>C. VCF-style: chr2-232087526-G-C. GRCh37 (hg19) VCF-style: chr2-232952236-G-C.
Other names: c.406G>C, p.Ala136Pro (NM_001257281.2, NM_001257282.2); short protein forms A136P.
Identifiers: ClinVar variation 942433 (VCV000942433.9), dbSNP rs764787643, ClinGen allele CA351154901.

ClinVar aggregate classification (germline): Uncertain significance (1 of 4 stars; one submission).

Conditions:
Perlman syndrome (PRLMNS). Identifiers: Orphanet 2849, MedGen C0796113, MONDO:0009965, OMIM 267000.

Submission:

Labcorp Genetics (formerly Invitae), Labcorp
Classification: Uncertain significance for Perlman syndrome. Last evaluated: 2022-06-01. Review status: criteria provided, single submitter. Criteria: Invitae Variant Classification Sherloc (09022015). Collection method: clinical testing. Allele origin: germline.
Comment: This sequence change replaces alanine, which is neutral and non-polar, with proline, which is neutral and non-polar, at codon 136 of the DIS3L2 protein (p.Ala136Pro). This variant is not present in population databases (gnomAD no frequency). This variant has not been reported in the literature in individuals affected with DIS3L2-related conditions. ClinVar contains an entry for this variant (Variation ID: 942433). Algorithms developed to predict the effect of missense changes on protein structure and function (SIFT, PolyPhen-2, Align-GVGD) all suggest that this variant is likely to be tolerated. In summary, the available evidence is currently insufficient to determine the role of this variant in disease. Therefore, it has been classified as a Variant of Uncertain Significance.